The following is an entry in ClinVar:

ClinVar aggregate classification (germline): Uncertain significance. Review status: criteria provided, multiple submitters, no conflicts (2 of 4 stars). 3 submissions from 3 submitters: Uncertain significance (3). Last evaluated 2022-09-27.

Conditions:
Inborn genetic diseases. Identifiers: MedGen C0950123, MeSH D030342.

Allele frequency attached by ClinVar (database versions not stated): 1000 Genomes Project 30x 0.00016; ESP Exome Variant Server 0.00008; gnomAD 0.00015 and 0.00014; TOPMed 0.00015; 1000 Genomes Project 0.00020.
gnomAD v4.1: 51 of 1,564,748 alleles (0.0033%); highest among the groups gnomAD compares: African/African-American, 0.036%; no homozygotes.

Submissions (4):

Labcorp Genetics (formerly Invitae), Labcorp
Classification: Uncertain significance. Last evaluated: 2022-09-27. Review status: criteria provided, single submitter. Criteria: Invitae Variant Classification Sherloc (09022015). Collection method: clinical testing. Allele origin: germline.
Comment: In summary, the available evidence is currently insufficient to determine the role of this variant in disease. Therefore, it has been classified as a Variant of Uncertain Significance. Variants that disrupt the consensus splice site are a relatively common cause of aberrant splicing (PMID: 17576681, 9536098). Algorithms developed to predict the effect of sequence changes on RNA splicing suggest that this variant is not likely to affect RNA splicing. ClinVar contains an entry for this variant (Variation ID: 434725). This variant has not been reported in the literature in individuals affected with CEP135-related conditions. This variant is present in population databases (rs377744366, gnomAD 0.05%). This sequence change falls in intron 20 of the CEP135 gene. It does not directly change the encoded amino acid sequence of the CEP135 protein. It affects a nucleotide within the consensus splice site.

Ambry Genetics
Classification: Uncertain significance for Inborn genetic diseases. Last evaluated: 2021-10-15. Review status: criteria provided, single submitter. Criteria: Ambry Variant Classification Scheme 2023. Collection method: clinical testing. Allele origin: germline.
Comment: The c.2617-3C>T intronic alteration consists of a C to T substitution 3 nucleotides before exon 21 (coding exon 20) of the CEP135 gene. Based on insufficient or conflicting evidence, the clinical significance of this alteration remains unclear.

Genetic Services Laboratory, University of Chicago
Classification: Uncertain significance. Last evaluated: 2016-10-27. Review status: criteria provided, single submitter. Criteria: ACMG Guidelines, 2015. Collection method: clinical testing. Allele origin: germline. Affected: no.

Dr. Peter K. Rogan Lab, Western University
No classification provided (evidence only). Condition: Uterine corpus endometrial carcinoma. Review status: no classification provided. Collection method: in vitro. Allele origin: not applicable. Functional consequence: retained intron. Not counted in ClinVar's aggregate classification.

Literature cited by the submitters: PubMed 17576681 (cited by Labcorp Genetics (formerly Invitae), Labcorp); PubMed 9536098 (cited by Labcorp Genetics (formerly Invitae), Labcorp).

NM_025009.5(CEP135):c.2617-3C>T

Gene: CEP135 (centrosomal protein 135; plus strand). Cytogenetic location: 4q12.
Variant type: single nucleotide variant.
Coding change: c.2617-3C>T on transcript NM_025009.5 (MANE Select); 3 bases into the intron before coding-DNA position 2617, C replaced by T.
Molecular consequence: intron variant.
Genome position (GRCh38, 1-based): chr4:56,011,797, C>T. VCF-style: chr4-56011797-C-T. GRCh37 (hg19) VCF-style: chr4-56877963-C-T.
Other names: c.2617-3C>T (NM_025009.3).
Identifiers: ClinVar variation 434725 (VCV000434725.11), dbSNP rs377744366, ClinGen allele CA2928224.